The following is an entry in ClinVar:

ClinVar aggregate classification (germline): Uncertain significance. Review status: criteria provided, multiple submitters, no conflicts (2 of 4 stars). 3 submissions from 3 submitters: Uncertain significance (3). Last evaluated 2026-02-23.

Conditions:
SCN9A-related disorder. Also called: SCN9A-related disorders; SCN9A-related condition.
Neuropathy, hereditary sensory and autonomic, type 2A (HSAN2A). Also called: MORVAN DISEASE; NEUROPATHY, CONGENITAL SENSORY; NEUROPATHY, HEREDITARY SENSORY RADICULAR, AUTOSOMAL RECESSIVE; NEUROPATHY, HEREDITARY SENSORY, TYPE IIA; NEUROPATHY, PROGRESSIVE SENSORY, OF CHILDREN; WNK1-Related HSAN2 (HSAN2A). Identifiers: Orphanet 970, MedGen C2752089, MONDO:0024309, OMIM 201300.
Generalized epilepsy with febrile seizures plus, type 7 (GEFSP7). Also called: GEFS+, TYPE 7. Identifiers: Orphanet 36387, MedGen C2751778, MONDO:0013470, OMIM 613863.

Submissions (3):

PreventionGenetics, part of Exact Sciences
Classification: Uncertain significance for SCN9A-related condition. Last evaluated: 2026-02-23. Review status: criteria provided, single submitter. Criteria: ACMG Guidelines, 2015. Collection method: clinical testing. Allele origin: germline.
Comment: The SCN9A c.5840_5841delAT variant is predicted to result in premature protein termination (p.Tyr1947*). To our knowledge, this variant has not been reported in the literature. This variant resides in the final exon of this gene, and it is unclear if the resulting mRNA would undergo nonsense-mediated decay. Loss-of-function variants 5' to this variant within the terminal exon have been reported in patients with autosomal recessive congenital indifference to pain (Goldberg et al. 2007. PubMed ID: 17470132; Ramirez et al. 2014. PubMed ID: 25253744; Emery et al. 2015. PubMed ID: 25995458; Verberne et al. 2022. PubMed ID: 35253369) and in a family affected with suspected autosomal dominant epilepsy (Yang. 2018. PubMed ID: 29500686). To our knowledge, there are no reported causative variants downstream of the c.5840_5841delAT variant. This variant is reported in 0.037% of alleles in individuals of African descent in gnomAD. Although we suspect that this variant may be pathogenic, at this time, the clinical significance of this variant is uncertain due to the absence of conclusive functional and genetic evidence.

Labcorp Genetics (formerly Invitae), Labcorp
Classification: Uncertain significance for Neuropathy, hereditary sensory and autonomic, type 2A; Generalized epilepsy with febrile seizures plus, type 7. Last evaluated: 2026-01-19. Review status: criteria provided, single submitter. Criteria: Invitae Variant Classification Sherloc (09022015). Collection method: clinical testing. Allele origin: germline.
Comment: This sequence change creates a premature translational stop signal (p.Tyr1947*) in the SCN9A gene. While this is not anticipated to result in nonsense mediated decay, it is expected to disrupt the last 31 amino acid(s) of the SCN9A protein. This variant is present in population databases (rs778976900, gnomAD 0.04%). This variant has not been reported in the literature in individuals affected with SCN9A-related conditions. ClinVar contains an entry for this variant (Variation ID: 849952). Experimental studies and prediction algorithms are not available or were not evaluated, and the functional significance of this variant is currently unknown. In summary, the available evidence is currently insufficient to determine the role of this variant in disease. Therefore, it has been classified as a Variant of Uncertain Significance.

Revvity Omics, Revvity
Classification: Uncertain significance. Last evaluated: 2021-09-24. Review status: criteria provided, single submitter. Criteria: ACMG Guidelines, 2015. Collection method: clinical testing. Allele origin: germline.

NM_001365536.1(SCN9A):c.5873_5874del (p.Ser1957_Tyr1958insTer)

Genes: SCN1A-AS1 (SCN1A and SCN9A antisense RNA 1; plus strand), SCN9A (sodium voltage-gated channel alpha subunit 9; minus strand). Cytogenetic location: 2q24.3.
Variant type: Microsatellite.
Coding change: c.5873_5874del on transcript NM_001365536.1 (MANE Select); coding-DNA positions 5873 to 5874, 2 bases deleted (AT; older notation c.5873_5874delAT).
Protein change: p.Ser1957_Tyr1958insTer.
Molecular consequence: nonsense. On other transcripts: frameshift variant (1).
Genome position (GRCh38, 1-based): chr2:166,198,765-166,198,766, AT deleted on the plus strand (AT on the coding strand, the reverse complement: SCN9A is on the minus strand); deleting any 2 consecutive bases within chr2:166,198,765-166,198,768 gives the same sequence; the c. name uses the placement nearest the transcript's 3' end. VCF-style (leftmost placement, unchanged base first): chr2-166198764-CAT-C. GRCh37 (hg19) VCF-style: chr2-167055274-CAT-C.
Other names: c.5840_5841delAT (NM_002977.3); c.5838_5839AT[1], p.Tyr1947Terfs (NM_002977.4).
Identifiers: ClinVar variation 849952 (VCV000849952.11), dbSNP rs778976900, ClinGen allele CA1943602.
Genomic context (GRCh38, chr2:166,198,764, plus strand): 5'-TGTCTTCCTTTTCTGTTCTGTCTTGTTCATATTTCTCTTTGTCTGGCTTTGTTACACTAT[CAT>C]ATGAAGGTGGAGAGGTGGTGGATGAAGTGGCATCTGTTTTTTCTGGACTTGAGTTCTCAT-3'